The following is an entry in ClinVar:

NM_173728.4(ARHGEF15):c.1422-3C>G

Gene: ARHGEF15 (Rho guanine nucleotide exchange factor 15; plus strand). Cytogenetic location: 17p13.1.
Variant type: single nucleotide variant.
Coding change: c.1422-3C>G on transcript NM_173728.4 (MANE Select); 3 bases into the intron before coding-DNA position 1422, C replaced by G.
Molecular consequence: intron variant.
Genome position (GRCh38, 1-based): chr17:8,315,752, C>G. VCF-style: chr17-8315752-C-G. GRCh37 (hg19) VCF-style: chr17-8219070-C-G.
Other names: c.1422-3C>G (NM_025014.2).
Identifiers: ClinVar variation 1487147 (VCV001487147.7), dbSNP rs2151639981, ClinGen allele CA2573154751.
Genomic context (GRCh38, chr17:8,315,752, plus strand): 5'-TCAAGAACCCGGGAGACCTGGCTCTCTGCCCCGCCCCATTGCTTGCTTCCCCAATTCCTT[C>G]AGGTTTCTAGCAACGCTCCTGTCCCGTGTGCGCTCTTCCCCCCACATCAGCGACTTGTGT-3'

ClinVar aggregate classification (germline): Uncertain significance (1 of 4 stars; one submission).

Conditions:
Early-infantile DEE. Also called: Early infantile epileptic encephalopathy; Early infantile epileptic encephalopathy with suppression bursts; Ohtahara syndrome. Identifiers: Orphanet 1934, MedGen C0393706, MONDO:0800491.

Submission:

Labcorp Genetics (formerly Invitae), Labcorp
Classification: Uncertain significance for Early-infantile DEE. Last evaluated: 2021-11-08. Review status: criteria provided, single submitter. Criteria: Invitae Variant Classification Sherloc (09022015). Collection method: clinical testing. Allele origin: germline.
Comment: This variant has not been reported in the literature in individuals affected with ARHGEF15-related conditions. Variants that disrupt the consensus splice site are a relatively common cause of aberrant splicing (PMID: 17576681, 9536098). Algorithms developed to predict the effect of sequence changes on RNA splicing suggest that this variant may disrupt the consensus splice site. In summary, the available evidence is currently insufficient to determine the role of this variant in disease. Therefore, it has been classified as a Variant of Uncertain Significance. This variant is not present in population databases (gnomAD no frequency). This sequence change falls in intron 7 of the ARHGEF15 gene. It does not directly change the encoded amino acid sequence of the ARHGEF15 protein. It affects a nucleotide within the consensus splice site.

Literature cited by the submitters: PubMed 17576681; PubMed 9536098.